The following is an entry in ClinVar:

ClinVar aggregate classification (germline): Conflicting classifications of pathogenicity. Review status: criteria provided, conflicting classifications (1 of 4 stars). 2 submissions from 2 submitters: Likely pathogenic (1); Uncertain significance (1). Last evaluated 2022-02-17.

Conditions:
SOS1-related disorder. Also called: SOS1-related condition.

Allele frequency attached by ClinVar (database versions not stated): gnomAD exomes below 0.00001.
gnomAD v4.1: 1 of 1,613,582 alleles (0.000062%); highest among the groups gnomAD compares: Non-Finnish European, 0.000085%; no homozygotes.

Submissions (2):

Blueprint Genetics
Classification: Likely pathogenic for SOS1-related disorders. Last evaluated: 2022-02-17. Review status: criteria provided, single submitter. Criteria: ACMG Guidelines, 2015. Collection method: clinical testing. Allele origin: de novo. Affected: yes. Observed: 1 variant allele.

Laboratory for Molecular Medicine, Mass General Brigham Personalized Medicine
Classification: Uncertain significance. Last evaluated: 2016-10-27. Review status: criteria provided, single submitter. Criteria: LMM Criteria. Collection method: clinical testing. Allele origin: germline. Observed: 1 variant allele.
Comment: The p.Pro478Leu variant in SOS1 has been reported in 2 individuals with clinical features of Noonan syndrome, one of whom also carried an additional SOS1 varian t (p.Gln477His) in cis and both variants were de novo (Zenker 2007, Lepri 2011). This variant was absent from large population studies. An additional amino acid change at this position (p.Pro478Arg) has been reported to occur de novo in two probands, suggesting that a change at this position may not be tolerated (Zenke r 2007, Lepri 2011). Computational prediction tools and conservation analysis do not provide strong support for or against an impact to the protein. In summary, while there is some suspicion for a pathogenic role, the clinical significance of the p.Pro478Leu variant is uncertain.

Literature cited by the submitters: PubMed 17586837 (cited by Laboratory for Molecular Medicine, Mass General Brigham Personalized Medicine); PubMed 21387466 (cited by Laboratory for Molecular Medicine, Mass General Brigham Personalized Medicine).

NM_005633.4(SOS1):c.1433C>T (p.Pro478Leu)

Gene: SOS1 (SOS Ras/Rac guanine nucleotide exchange factor 1; minus strand). Cytogenetic location: 2p22.1.
Variant type: single nucleotide variant.
Coding change: c.1433C>T on transcript NM_005633.4 (MANE Select); coding-DNA position 1433, C replaced by T.
Protein change: p.Pro478Leu; replaces proline 478 with leucine.
Molecular consequence: missense variant.
Genome position (GRCh38, 1-based): chr2:39,022,995, G>A on the plus strand (C>T on the coding strand, the complement: SOS1 is on the minus strand). VCF-style: chr2-39022995-G-A. GRCh37 (hg19) VCF-style: chr2-39250136-G-A.
Other names: c.1412C>T, p.Pro471Leu (NM_001382394.1); c.1433C>T, p.Pro478Leu (NM_001382395.1); short protein forms P478L, P471L.
Identifiers: ClinVar variation 40675 (VCV000040675.6), dbSNP rs1553356111, ClinGen allele CA346366180.
Genomic context (GRCh38, chr2:39,022,995, plus strand): 5'-TTTCGCATAAAAAACTTTTCTTTAAGACGATATTCTGCATTGCTAGCACCAGGAAGTCTT[G>A]GCTGCCCATGATTTGATTTACAGCAAATCATTAAGCCATCAAAGAGAAATATGTGTCTCT-3'
Protein context (NP_005624.2, residues 468-488): MICCKSNHGQ[Pro478Leu]RLPGASNAEY